The following is an entry in ClinVar:

ClinVar aggregate classification (germline): Pathogenic (1 of 4 stars; one submission).

Conditions:
Hereditary cancer-predisposing syndrome. Also called: Tumor predisposition; Hereditary Cancer Syndrome; Neoplastic Syndromes, Hereditary; Hereditary neoplastic syndrome. Identifiers: Orphanet 140162, MedGen C0027672, MeSH D009386, MONDO:0015356.

Submission:

Ambry Genetics
Classification: Pathogenic for Hereditary cancer-predisposing syndrome. Last evaluated: 2018-01-29. Review status: criteria provided, single submitter. Criteria: Ambry Variant Classification Scheme 2023. Collection method: clinical testing. Allele origin: germline.
Comment: The c.3055_3058delCACT pathogenic mutation, located in coding exon 15 of the BLM gene, results from a deletion of 4 nucleotides at nucleotide positions 3055 to 3058, causing a translational frameshift with a predicted alternate stop codon (p.H1019Sfs*14). This alteration is expected to result in loss of function by premature protein truncation or nonsense-mediated mRNA decay. As such, this alteration is interpreted as a disease-causing mutation.

NM_000057.4(BLM):c.3055_3058del (p.His1019fs)

Gene: BLM (BLM RecQ like helicase; plus strand). Cytogenetic location: 15q26.1.
Variant type: Deletion.
Coding change: c.3055_3058del on transcript NM_000057.4 (MANE Select); coding-DNA positions 3055 to 3058, 4 bases deleted (CACT; older notation c.3055_3058delCACT).
Protein change: p.His1019fs; shifts the reading frame from histidine 1019.
Molecular consequence: frameshift variant.
Genome position (GRCh38, 1-based): chr15:90,794,202-90,794,205, CACT deleted; deleting any 4 consecutive bases within chr15:90,794,199-90,794,205 gives the same sequence; the c. name uses the placement nearest the transcript's 3' end. VCF-style (leftmost placement, unchanged base first): chr15-90794198-AACTC-A. GRCh37 (hg19) VCF-style: chr15-91337428-AACTC-A.
Other names: c.3055_3058del, p.His1019fs (NM_001287246.2, NM_001287247.2); c.1930_1933del, p.His644fs (NM_001287248.2); short protein forms H1019fs, H644fs.
Identifiers: ClinVar variation 822737 (VCV000822737.4), dbSNP rs1596259860, ClinGen allele CA915946139.